The following is an entry in ClinVar:

NM_024675.4(PALB2):c.2837del (p.Ala946fs)

Gene: PALB2 (partner and localizer of BRCA2; minus strand). Cytogenetic location: 16p12.2.
Variant type: Deletion.
Coding change: c.2837del on transcript NM_024675.4 (MANE Select); coding-DNA position 2837, one base deleted (C; older notation c.2837delC).
Protein change: p.Ala946fs; shifts the reading frame from alanine 946.
Molecular consequence: frameshift variant.
Genome position (GRCh38, 1-based): chr16:23,623,128, G deleted on the plus strand (C on the coding strand, the reverse complement: PALB2 is on the minus strand). VCF-style (leftmost placement, unchanged base first): chr16-23623127-TG-T. GRCh37 (hg19) VCF-style: chr16-23634448-TG-T.
Other names: c.2837delC (NM_024675.3); short protein forms A946fs.
Identifiers: ClinVar variation 482041 (VCV000482041.5), dbSNP rs1555459599, ClinGen allele CA658658398.

ClinVar aggregate classification (germline): Pathogenic (1 of 4 stars; one submission).

Conditions:
Hereditary cancer-predisposing syndrome. Also called: Neoplastic Syndromes, Hereditary; Tumor predisposition; Hereditary Cancer Syndrome; Hereditary neoplastic syndrome. Identifiers: Orphanet 140162, MedGen C0027672, MeSH D009386, MONDO:0015356.

Submission:

Ambry Genetics
Classification: Pathogenic for Hereditary cancer-predisposing syndrome. Last evaluated: 2016-09-26. Review status: criteria provided, single submitter. Criteria: Ambry Variant Classification Scheme 2023. Collection method: clinical testing. Allele origin: germline.
Comment: The c.2837delC pathogenic mutation, located in coding exon 9 of the PALB2 gene, results from a deletion of one nucleotide at nucleotide position 2837, causing a translational frameshift with a predicted alternate stop codon. This alteration is expected to result in loss of function by premature protein truncation or nonsense-mediated mRNA decay. As such, this alteration is interpreted as a disease-causing mutation.